The following is an entry in ClinVar:

NM_212482.4(FN1):c.2845G>C (p.Glu949Gln)

Gene: FN1 (fibronectin 1; minus strand). Cytogenetic location: 2q35.
Variant type: single nucleotide variant.
Coding change: c.2845G>C on transcript NM_212482.4 (MANE Select); coding-DNA position 2845, G replaced by C.
Protein change: p.Glu949Gln; replaces glutamic acid 949 with glutamine.
Molecular consequence: missense variant.
Genome position (GRCh38, 1-based): chr2:215,406,379, C>G on the plus strand (G>C on the coding strand, the complement: FN1 is on the minus strand). VCF-style: chr2-215406379-C-G. GRCh37 (hg19) VCF-style: chr2-216271102-C-G.
Other names: c.2845G>C, p.Glu949Gln (NM_001306129.2, NM_001306130.2, NM_001306131.2 and 13 more transcripts); short protein forms E949Q.
Identifiers: ClinVar variation 4703116 (VCV004703116.1).

ClinVar aggregate classification (germline): Uncertain significance (1 of 4 stars; one submission).

gnomAD v4.1: 43 of 1,614,182 alleles (0.0027%); highest among the groups gnomAD compares: Non-Finnish European, 0.0036%; no homozygotes.

Submission:

Labcorp Genetics (formerly Invitae), Labcorp
Classification: Uncertain significance. Last evaluated: 2025-08-23. Review status: criteria provided, single submitter. Criteria: Invitae Variant Classification Sherloc (09022015). Collection method: clinical testing. Allele origin: germline.
Comment: This sequence change replaces glutamic acid, which is acidic and polar, with glutamine, which is neutral and polar, at codon 949 of the FN1 protein (p.Glu949Gln). This variant is present in population databases (rs770425267, gnomAD 0.003%). This variant has not been reported in the literature in individuals affected with FN1-related conditions. An algorithm developed to predict the effect of missense changes on protein structure and function outputs the following: PolyPhen-2: "Benign". The glutamine amino acid residue is found in multiple mammalian species, which suggests that this missense change does not adversely affect protein function. In summary, the available evidence is currently insufficient to determine the role of this variant in disease. Therefore, it has been classified as a Variant of Uncertain Significance.